The following is an entry in ClinVar:

ClinVar aggregate classification (germline): Benign. Review status: criteria provided, multiple submitters, no conflicts (2 of 4 stars). 3 submissions from 3 submitters: Benign (2). 1 of the submissions does not count toward it. Last evaluated 2026-02-04.

Conditions:
ITGAM-related disorder. Also called: ITGAM-related condition.

Allele frequency attached by ClinVar (database versions not stated): 1000 Genomes Project 0.09305; 1000 Genomes Project 30x 0.09697; TOPMed 0.13993; ESP Exome Variant Server 0.15898.
gnomAD v4.1: 225,275 of 1,607,880 alleles (14%); highest among the groups gnomAD compares: African/African-American, 19%; 17,232 homozygotes.

Submissions (3):

Labcorp Genetics (formerly Invitae), Labcorp
Classification: Benign. Last evaluated: 2026-02-04. Review status: criteria provided, single submitter. Criteria: Invitae Variant Classification Sherloc (09022015). Collection method: clinical testing. Allele origin: germline.

Breakthrough Genomics
Classification: Benign. Review status: criteria provided, single submitter. Criteria: ACMG Guidelines, 2015. Collection method: not provided. Allele origin: germline. Inheritance: Unknown mechanism. Affected: yes.

PreventionGenetics, part of Exact Sciences
Classification: Benign for ITGAM-related condition. Last evaluated: 2019-10-24. Review status: no assertion criteria provided. Collection method: clinical testing. Allele origin: germline. Not counted in ClinVar's aggregate classification.
Comment: This variant is classified as benign based on ACMG/AMP sequence variant interpretation guidelines (Richards et al. 2015 PMID: 25741868, with internal and published modifications).

NM_000632.4(ITGAM):c.1322T>C (p.Met441Thr)

Gene: ITGAM (integrin subunit alpha M; plus strand). Cytogenetic location: 16p11.2.
Variant type: single nucleotide variant.
Coding change: c.1322T>C on transcript NM_000632.4 (MANE Select); coding-DNA position 1322, T replaced by C.
Protein change: p.Met441Thr; replaces methionine 441 with threonine.
Molecular consequence: missense variant.
Genome position (GRCh38, 1-based): chr16:31,278,075, T>C. VCF-style: chr16-31278075-T-C. GRCh37 (hg19) VCF-style: chr16-31289396-T-C.
Other names: c.1322T>C (NM_000632.3); c.1322T>C, p.Met441Thr (NM_001145808.2); short protein forms M441T.
Identifiers: ClinVar variation 1168376 (VCV001168376.12), dbSNP rs1143680, ClinGen allele CA8025494.